The following is an entry in ClinVar:

ClinVar aggregate classification (germline): Pathogenic (1 of 4 stars; one submission).

Submission:

Labcorp Genetics (formerly Invitae), Labcorp
Classification: Pathogenic. Last evaluated: 2022-05-17. Review status: criteria provided, single submitter. Criteria: Invitae Variant Classification Sherloc (09022015). Collection method: clinical testing. Allele origin: germline.
Comment: This sequence change creates a premature translational stop signal (p.Gly862*) in the MSH3 gene. It is expected to result in an absent or disrupted protein product. Loss-of-function variants in MSH3 are known to be pathogenic (PMID: 27476653). This variant is not present in population databases (gnomAD no frequency). This variant has not been reported in the literature in individuals affected with MSH3-related conditions. For these reasons, this variant has been classified as Pathogenic.

Literature cited by the submitters: PubMed 27476653.

NM_002439.5(MSH3):c.2584G>T (p.Gly862Ter)

Gene: MSH3 (mutS homolog 3; plus strand). Cytogenetic location: 5q14.1.
Variant type: single nucleotide variant.
Coding change: c.2584G>T on transcript NM_002439.5 (MANE Select); coding-DNA position 2584, G replaced by T.
Protein change: p.Gly862Ter; replaces glycine 862 with a stop codon.
Molecular consequence: nonsense.
Genome position (GRCh38, 1-based): chr5:80,792,773, G>T. VCF-style: chr5-80792773-G-T. GRCh37 (hg19) VCF-style: chr5-80088592-G-T.
Other names: short protein forms G862*.
Identifiers: ClinVar variation 1995045 (VCV001995045.4), dbSNP rs2546786768, ClinGen allele CA360272916.